The following is an entry in ClinVar:

NM_173660.5(DOK7):c.724G>C (p.Glu242Gln)

Genes: DOK7 (docking protein 7; plus strand), LOC129992118 (ATAC-STARR-seq lymphoblastoid silent region 15206; plus strand). Cytogenetic location: 4p16.3.
Variant type: single nucleotide variant.
Coding change: c.724G>C on transcript NM_173660.5 (MANE Select); coding-DNA position 724, G replaced by C.
Protein change: p.Glu242Gln; replaces glutamic acid 242 with glutamine.
Molecular consequence: missense variant. On other transcripts: 5 prime UTR variant (1).
Genome position (GRCh38, 1-based): chr4:3,489,748, G>C. VCF-style: chr4-3489748-G-C. GRCh37 (hg19) VCF-style: chr4-3491475-G-C.
Other names: c.713G>C, p.Gly238Ala (NM_001164673.2); c.-207G>C (NM_001256896.2); c.724G>C, p.Glu242Gln (NM_001301071.2); c.292G>C, p.Glu98Gln (NM_001363811.2); short protein forms E242Q, G238A, E98Q.
Identifiers: ClinVar variation 2193805 (VCV002193805.4), dbSNP rs1413673634, ClinGen allele CA356115601.

ClinVar aggregate classification (germline): Uncertain significance (1 of 4 stars; one submission).

Conditions:
Congenital myasthenic syndrome 10. Also called: Myasthenia, limb-girdle, familial. Identifiers: Orphanet 590, MedGen C1850792, MONDO:0009690, OMIM 254300.
Fetal akinesia deformation sequence 1 (FADS1). Also called: Fetal akinesia sequence; Pena-Shokeir syndrome type I. Identifiers: Orphanet 994, MedGen C1276035, MONDO:0100101, OMIM 208150, HP:0001989.

Allele frequency attached by ClinVar (database versions not stated): gnomAD exomes below 0.00001; gnomAD 0.00001.
gnomAD v4.1: 3 of 1,570,808 alleles (0.00019%); highest among the groups gnomAD compares: East Asian, 0.0047%; no homozygotes.

Submission:

Labcorp Genetics (formerly Invitae), Labcorp
Classification: Uncertain significance for Congenital myasthenic syndrome 10; Fetal akinesia deformation sequence 1. Last evaluated: 2022-05-27. Review status: criteria provided, single submitter. Criteria: Invitae Variant Classification Sherloc (09022015). Collection method: clinical testing. Allele origin: germline.
Comment: This sequence change replaces glutamic acid, which is acidic and polar, with glutamine, which is neutral and polar, at codon 242 of the DOK7 protein (p.Glu242Gln). The frequency data for this variant in the population databases is considered unreliable, as metrics indicate poor data quality at this position in the gnomAD database. This variant has not been reported in the literature in individuals affected with DOK7-related conditions. Algorithms developed to predict the effect of missense changes on protein structure and function are either unavailable or do not agree on the potential impact of this missense change (SIFT: "Deleterious"; PolyPhen-2: "Possibly Damaging"; Align-GVGD: "Class C0"). In summary, the available evidence is currently insufficient to determine the role of this variant in disease. Therefore, it has been classified as a Variant of Uncertain Significance.